The following is an entry in ClinVar:

ClinVar aggregate classification (germline): Uncertain significance (1 of 4 stars; one submission).

Conditions:
Primary ciliary dyskinesia. Also called: Ciliary dyskinesia. Identifiers: Orphanet 244, MedGen C0008780, MONDO:0016575, HP:0012265.

Submission:

Labcorp Genetics (formerly Invitae), Labcorp
Classification: Uncertain significance for Primary ciliary dyskinesia. Last evaluated: 2017-11-27. Review status: criteria provided, single submitter. Criteria: Invitae Variant Classification Sherloc (09022015). Collection method: clinical testing. Allele origin: germline.
Comment: This sequence change replaces methionine with threonine at codon 2294 of the DNAH11 protein (p.Met2294Thr). The methionine residue is highly conserved and there is a moderate physicochemical difference between methionine and threonine. This variant is not present in population databases (ExAC no frequency). This variant has not been reported in the literature in individuals with DNAH11-related disease. Algorithms developed to predict the effect of missense changes on protein structure and function (SIFT, PolyPhen-2, Align-GVGD) all suggest that this variant is likely to be disruptive, but these predictions have not been confirmed by published functional studies and their clinical significance is uncertain. In summary, the available evidence is currently insufficient to determine the role of this variant in disease. Therefore, it has been classified as a Variant of Uncertain Significance.

NM_001277115.2(DNAH11):c.6881T>C (p.Met2294Thr)

Gene: DNAH11 (dynein axonemal heavy chain 11; plus strand). Cytogenetic location: 7p15.3.
Variant type: single nucleotide variant.
Coding change: c.6881T>C on transcript NM_001277115.2 (MANE Select); coding-DNA position 6881, T replaced by C.
Protein change: p.Met2294Thr; replaces methionine 2294 with threonine.
Molecular consequence: missense variant.
Genome position (GRCh38, 1-based): chr7:21,711,758, T>C. VCF-style: chr7-21711758-T-C. GRCh37 (hg19) VCF-style: chr7-21751376-T-C.
Other names: short protein forms M2294T.
Identifiers: ClinVar variation 525371 (VCV000525371.9), dbSNP rs1554272411, ClinGen allele CA366941391.